The following is an entry in ClinVar:

NM_017739.4(POMGNT1):c.442G>T (p.Val148Leu)

Genes: POMGNT1 (protein O-linked mannose N-acetylglucosaminyltransferase 1 (beta 1,2-); minus strand), TSPAN1 (tetraspanin 1; plus strand). Cytogenetic location: 1p34.1.
Variant type: single nucleotide variant.
Coding change: c.442G>T on transcript NM_017739.4 (MANE Select); coding-DNA position 442, G replaced by T.
Protein change: p.Val148Leu; replaces valine 148 with leucine.
Molecular consequence: missense variant.
Genome position (GRCh38, 1-based): chr1:46,195,903, C>A on the plus strand (G>T on the coding strand, the complement: POMGNT1 is on the minus strand). VCF-style: chr1-46195903-C-A. GRCh37 (hg19) VCF-style: chr1-46661575-C-A.
Other names: c.442G>T, p.Val148Leu (NM_001243766.2, NM_001410783.1); c.376G>T, p.Val126Leu (NM_001290129.3); c.13G>T, p.Val5Leu (NM_001290130.2); short protein forms V126L, V148L, V5L.
Identifiers: ClinVar variation 1430425 (VCV001430425.6), dbSNP rs770366321, ClinGen allele CA21917609.

ClinVar aggregate classification (germline): Uncertain significance. Review status: criteria provided, multiple submitters, no conflicts (2 of 4 stars). 3 submissions from 3 submitters: Uncertain significance (3). Last evaluated 2024-05-28.

Conditions:
Autosomal recessive limb-girdle muscular dystrophy type 2O. Also called: Limb-Girdle Muscular Dystrophy Type 3C; MUSCULAR DYSTROPHY-DYSTROGLYCANOPATHY (LIMB-GIRDLE), TYPE C, 3; MUSCULAR DYSTROPHY-DYSTROGLYCANOPATHY, LIMB-GIRDLE, POMGNT1-RELATED. Identifiers: Orphanet 206564, MedGen C3150417, MONDO:0013161, OMIM 613157.
Muscular dystrophy-dystroglycanopathy (congenital with impaired intellectual development), type B, 3. Also called: MUSCULAR DYSTROPHY, CONGENITAL, POMGNT1-RELATED; Muscular dystrophy-dystroglycanopathy (congenital with intellectual disability), type B3. Identifiers: MedGen C3150412, MONDO:0013155, OMIM 613151.

Allele frequency attached by ClinVar (database versions not stated): gnomAD exomes 0.00001 and 0.00002; TOPMed below 0.00001; gnomAD 0.00001.
gnomAD v4.1: 32 of 1,613,908 alleles (0.002%); highest among the groups gnomAD compares: Non-Finnish European, 0.0026%; no homozygotes.

Submissions (3):

Blueprint Genetics
Classification: Uncertain significance. Last evaluated: 2024-05-28. Review status: criteria provided, single submitter. Criteria: ACMG Guidelines, 2015. Collection method: clinical testing. Allele origin: germline.

Labcorp Genetics (formerly Invitae), Labcorp
Classification: Uncertain significance for Autosomal recessive limb-girdle muscular dystrophy type 2O; Muscular dystrophy-dystroglycanopathy (congenital with impaired intellectual development), type B, 3. Last evaluated: 2021-11-27. Review status: criteria provided, single submitter. Criteria: Invitae Variant Classification Sherloc (09022015). Collection method: clinical testing. Allele origin: germline.
Comment: This sequence change replaces valine, which is neutral and non-polar, with leucine, which is neutral and non-polar, at codon 148 of the POMGNT1 protein (p.Val148Leu). The frequency data for this variant in the population databases is considered unreliable, as metrics indicate poor data quality at this position in the gnomAD database. This variant has not been reported in the literature in individuals affected with POMGNT1-related conditions. Advanced modeling of protein sequence and biophysical properties (such as structural, functional, and spatial information, amino acid conservation, physicochemical variation, residue mobility, and thermodynamic stability) performed at Invitae indicates that this missense variant is not expected to disrupt POMGNT1 protein function. In summary, the available evidence is currently insufficient to determine the role of this variant in disease. Therefore, it has been classified as a Variant of Uncertain Significance.

Revvity Omics, Revvity
Classification: Uncertain significance. Last evaluated: 2019-07-23. Review status: criteria provided, single submitter. Criteria: ACMG Guidelines, 2015. Collection method: clinical testing. Allele origin: germline.